The following is an entry in ClinVar:

ClinVar aggregate classification (germline): Uncertain significance. Review status: criteria provided, multiple submitters, no conflicts (2 of 4 stars). 3 submissions from 3 submitters: Uncertain significance (3). Last evaluated 2025-08-12.

Conditions:
Inborn genetic diseases. Identifiers: MedGen C0950123, MeSH D030342.
Familial focal epilepsy with variable foci (FPEVF). Identifiers: Orphanet 98820, MedGen C1858477, MONDO:0020310.

Allele frequency attached by ClinVar (database versions not stated): ExAC 0.00001; TOPMed 0.00001; gnomAD exomes 0.00002.

Submissions (3):

Ambry Genetics
Classification: Uncertain significance for Inborn genetic diseases. Last evaluated: 2025-08-12. Review status: criteria provided, single submitter. Criteria: Ambry Variant Classification Scheme 2023. Collection method: clinical testing. Allele origin: germline.

Labcorp Genetics (formerly Invitae), Labcorp
Classification: Uncertain significance for Familial focal epilepsy with variable foci. Last evaluated: 2023-03-31. Review status: criteria provided, single submitter. Criteria: Invitae Variant Classification Sherloc (09022015). Collection method: clinical testing. Allele origin: germline.
Comment: In summary, the available evidence is currently insufficient to determine the role of this variant in disease. Therefore, it has been classified as a Variant of Uncertain Significance. Algorithms developed to predict the effect of missense changes on protein structure and function output the following: SIFT: "Not Available"; PolyPhen-2: "Not Available"; Align-GVGD: "Not Available". The arginine amino acid residue is found in multiple mammalian species, which suggests that this missense change does not adversely affect protein function. This variant has not been reported in the literature in individuals affected with DEPDC5-related conditions. This variant is present in population databases (rs746191073, gnomAD 0.003%). This sequence change replaces glycine, which is neutral and non-polar, with arginine, which is basic and polar, at codon 647 of the DEPDC5 protein (p.Gly647Arg).

Mayo Clinic Laboratories, Mayo Clinic
Classification: Uncertain significance. Last evaluated: 2022-06-29. Review status: criteria provided, single submitter. Criteria: ACMG Guidelines, 2015. Collection method: clinical testing. Allele origin: germline. Observed: 1 variant allele.
Comment: BP4

NM_001242896.3(DEPDC5):c.1939G>A (p.Gly647Arg)

Gene: DEPDC5 (DEP domain containing 5, GATOR1 subcomplex subunit; plus strand). Cytogenetic location: 22q12.3.
Variant type: single nucleotide variant.
Coding change: c.1939G>A on transcript NM_001242896.3 (MANE Select); coding-DNA position 1939, G replaced by A.
Protein change: p.Gly647Arg; replaces glycine 647 with arginine.
Molecular consequence: missense variant. On other transcripts: non-coding transcript variant (4), intron variant (3).
Genome position (GRCh38, 1-based): chr22:31,821,570, G>A. VCF-style: chr22-31821570-G-A. GRCh37 (hg19) VCF-style: chr22-32217556-G-A.
Other names: p.Gly647Arg; c.1939G>A (NM_001242896.1); c.1939G>A, p.Gly647Arg (NM_001136029.4, NM_001363852.2, NM_001364318.2 and 3 more transcripts); c.1855G>A, p.Gly619Arg (NM_001369901.1, NM_001369902.1); c.1870+2345G>A (NM_001363854.2, NM_001242897.2, NM_001364319.2); short protein forms G619R, G647R.
Identifiers: ClinVar variation 2683565 (VCV002683565.5), dbSNP rs746191073, ClinGen allele CA10196510.